The following is an entry in ClinVar:

ClinVar aggregate classification (germline): Benign/Likely benign. Review status: criteria provided, multiple submitters, no conflicts (2 of 4 stars). 3 submissions from 3 submitters: Benign (1); Likely benign (2). Last evaluated 2025-05-27.

Conditions:
Hereditary cancer-predisposing syndrome. Also called: Tumor predisposition; Hereditary neoplastic syndrome; Neoplastic Syndromes, Hereditary; Hereditary Cancer Syndrome. Identifiers: Orphanet 140162, MedGen C0027672, MeSH D009386, MONDO:0015356.
Tuberous sclerosis 2 (TSC2). Identifiers: Orphanet 805, MedGen C1860707, MONDO:0013199, OMIM 613254.

Allele frequency attached by ClinVar (database versions not stated): gnomAD exomes 0.00001.
gnomAD v4.1: 10 of 1,613,084 alleles (0.00062%); highest among the groups gnomAD compares: Non-Finnish European, 0.00085%; no homozygotes.

Submissions (3):

Myriad Genetics, Inc.
Classification: Benign for Tuberous sclerosis 2. Last evaluated: 2025-05-27. Review status: criteria provided, single submitter. Criteria: Myriad Autosomal Dominant, Autosomal Recessive and X-Linked Classification Criteria (2023). Collection method: clinical testing. Allele origin: unknown.
Comment: This variant is considered benign. This variant is a silent/synonymous amino acid change and it is not expected to impact splicing.

Labcorp Genetics (formerly Invitae), Labcorp
Classification: Likely benign for Tuberous sclerosis 2. Last evaluated: 2025-03-16. Review status: criteria provided, single submitter. Criteria: Invitae Variant Classification Sherloc (09022015). Collection method: clinical testing. Allele origin: germline.

Ambry Genetics
Classification: Likely benign for Hereditary cancer-predisposing syndrome. Last evaluated: 2020-08-17. Review status: criteria provided, single submitter. Criteria: Ambry Variant Classification Scheme 2023. Collection method: clinical testing. Allele origin: germline.

NM_000548.5(TSC2):c.3075C>T (p.Thr1025=)

Gene: TSC2 (TSC complex subunit 2; plus strand). Cytogenetic location: 16p13.3.
Variant type: single nucleotide variant.
Coding change: c.3075C>T on transcript NM_000548.5 (MANE Select); coding-DNA position 3075, C replaced by T.
Protein change: p.Thr1025=; no amino-acid change (threonine 1025 retained).
Molecular consequence: synonymous variant.
Genome position (GRCh38, 1-based): chr16:2,079,140, C>T. VCF-style: chr16-2079140-C-T. GRCh37 (hg19) VCF-style: chr16-2129141-C-T.
Other names: c.2943C>T, p.Thr981= (NM_001077183.3, NM_001370404.1); c.3075C>T, p.Thr1025= (NM_001114382.3); c.2835C>T, p.Thr945= (NM_001318827.2); c.2799C>T, p.Thr933= (NM_001318829.2); c.2343C>T, p.Thr781= (NM_001318831.2); c.2976C>T, p.Thr992= (NM_001318832.2); c.2946C>T, p.Thr982= (NM_001363528.2, NM_001370405.1, NM_021055.3).
Identifiers: ClinVar variation 706000 (VCV000706000.12), dbSNP rs1596382606, ClinGen allele CA493042749.